The following is an entry in ClinVar:

ClinVar aggregate classification (germline): Likely benign (0 of 4 stars; one submission).

Conditions:
GRIK5-related disorder. Also called: GRIK5-related condition.

Allele frequency attached by ClinVar (database versions not stated): 1000 Genomes Project 30x 0.00031; 1000 Genomes Project 0.00040.
gnomAD v4.1: 139 of 1,612,982 alleles (0.0086%); highest among the groups gnomAD compares: Middle Eastern, 0.12%; 1 homozygote.

Submission:

PreventionGenetics, part of Exact Sciences
Classification: Likely benign for GRIK5-related condition. Last evaluated: 2019-04-25. Review status: no assertion criteria provided. Collection method: clinical testing. Allele origin: germline.
Comment: This variant is classified as likely benign based on ACMG/AMP sequence variant interpretation guidelines (Richards et al. 2015 PMID: 25741868, with internal and published modifications).

NM_002088.5(GRIK5):c.1026C>T (p.His342=)

Gene: GRIK5 (glutamate ionotropic receptor kainate type subunit 5; minus strand). Cytogenetic location: 19q13.2.
Variant type: single nucleotide variant.
Coding change: c.1026C>T on transcript NM_002088.5 (MANE Select); coding-DNA position 1026, C replaced by T.
Protein change: p.His342=; no amino-acid change (histidine 342 retained).
Molecular consequence: synonymous variant.
Genome position (GRCh38, 1-based): chr19:42,054,350, G>A on the plus strand (C>T on the coding strand, the complement: GRIK5 is on the minus strand). VCF-style: chr19-42054350-G-A. GRCh37 (hg19) VCF-style: chr19-42558502-G-A.
Other names: c.1026C>T, p.His342= (NM_001301030.2).
Identifiers: ClinVar variation 3046803 (VCV003046803.2), dbSNP rs140981334, ClinGen allele CA9468530.